The following is an entry in ClinVar:

ClinVar aggregate classification (germline): Uncertain significance (1 of 4 stars; one submission).

Submission:

Labcorp Genetics (formerly Invitae), Labcorp
Classification: Uncertain significance. Last evaluated: 2026-01-03. Review status: criteria provided, single submitter. Criteria: Invitae Variant Classification Sherloc (09022015). Collection method: clinical testing. Allele origin: germline.
Comment: This sequence change replaces glutamine, which is neutral and polar, with arginine, which is basic and polar, at codon 23 of the KANK1 protein (p.Gln23Arg). This variant is not present in population databases (gnomAD no frequency). This variant has not been reported in the literature in individuals affected with KANK1-related conditions. An algorithm developed to predict the effect of missense changes on protein structure and function (PolyPhen-2) suggests that this variant is likely to be tolerated. In summary, the available evidence is currently insufficient to determine the role of this variant in disease. Therefore, it has been classified as a Variant of Uncertain Significance.

NM_015158.5(KANK1):c.68A>G (p.Gln23Arg)

Gene: KANK1 (KN motif and ankyrin repeat domains 1; plus strand). Cytogenetic location: 9p24.3.
Variant type: single nucleotide variant.
Coding change: c.68A>G on transcript NM_015158.5 (MANE Select); coding-DNA position 68, A replaced by G.
Protein change: p.Gln23Arg; replaces glutamine 23 with arginine.
Molecular consequence: missense variant. On other transcripts: 5 prime UTR variant (13), non-coding transcript variant (1).
Genome position (GRCh38, 1-based): chr9:710,834, A>G. VCF-style: chr9-710834-A-G. GRCh37 (hg19) VCF-style: chr9-710834-A-G.
Other names: c.68A>G, p.Gln23Arg (NM_001256876.3, NM_001256877.3, NM_001354331.2 and 3 more transcripts); c.-407A>G (NM_001354333.2, NM_001354335.2, NM_001354336.2 and 10 more transcripts); short protein forms Q23R.
Identifiers: ClinVar variation 4728991 (VCV004728991.1).
Genomic context (GRCh38, chr9:710,834, plus strand): 5'-CATTATAATATTCTTTTCTCCCTCTTCTAGGAAAAGCAGGTGATATTCTCAGTGGAGACC[A>G]GGACAAGGAACAGAAAGACCCTTACTTTGTGGAGACCCCCTATGGTTATCAACTAGACTT-3'
Protein context (NP_055973.2, residues 13-33): GKAGDILSGD[Gln23Arg]DKEQKDPYFV